The following is an entry in ClinVar:

NM_133497.4(KCNV2):c.746T>G (p.Leu249Arg)

Gene: KCNV2 (potassium voltage-gated channel modifier subfamily V member 2; plus strand). Cytogenetic location: 9p24.2.
Variant type: single nucleotide variant.
Coding change: c.746T>G on transcript NM_133497.4 (MANE Select); coding-DNA position 746, T replaced by G.
Protein change: p.Leu249Arg; replaces leucine 249 with arginine.
Molecular consequence: missense variant.
Genome position (GRCh38, 1-based): chr9:2,718,485, T>G. VCF-style: chr9-2718485-T-G. GRCh37 (hg19) VCF-style: chr9-2718485-T-G.
Other names: short protein forms L249R.
Identifiers: ClinVar variation 1900628 (VCV001900628.4), dbSNP rs2536972616, ClinGen allele CA372799036.
Genomic context (GRCh38, chr9:2,718,485, plus strand): 5'-CGGAGGAACTCTTCCGCGACATGCGCTTCTACGGCCCGCAGCGGCGCCGCCTCTGGAACC[T>G]CATGGAGAAGCCATTCTCCTCGGTGGCCGCCAAGGCCATCGGGGTGGCCTCCAGCACCTT-3'
Protein context (NP_598004.1, residues 239-259): YGPQRRRLWN[Leu249Arg]MEKPFSSVAA

ClinVar aggregate classification (germline): Uncertain significance (1 of 4 stars; one submission).

Submission:

Labcorp Genetics (formerly Invitae), Labcorp
Classification: Uncertain significance. Last evaluated: 2024-08-05. Review status: criteria provided, single submitter. Criteria: Invitae Variant Classification Sherloc (09022015). Collection method: clinical testing. Allele origin: germline.
Comment: This sequence change replaces leucine, which is neutral and non-polar, with arginine, which is basic and polar, at codon 249 of the KCNV2 protein (p.Leu249Arg). This variant is not present in population databases (gnomAD no frequency). This variant has not been reported in the literature in individuals affected with KCNV2-related conditions. ClinVar contains an entry for this variant (Variation ID: 1900628). Advanced modeling of protein sequence and biophysical properties (such as structural, functional, and spatial information, amino acid conservation, physicochemical variation, residue mobility, and thermodynamic stability) performed at Invitae indicates that this missense variant is not expected to disrupt KCNV2 protein function with a negative predictive value of 80%. In summary, the available evidence is currently insufficient to determine the role of this variant in disease. Therefore, it has been classified as a Variant of Uncertain Significance.